The following is an entry in ClinVar:

ClinVar aggregate classification (germline): Conflicting classifications of pathogenicity. Review status: criteria provided, conflicting classifications (1 of 4 stars). 2 submissions from 2 submitters: Pathogenic (1); Uncertain significance (1). Last evaluated 2024-06-03.

Submissions (2):

GeneDx
Classification: Uncertain significance. Last evaluated: 2024-06-03. Review status: criteria provided, single submitter. Criteria: GeneDx Variant Classification Process June 2021. Collection method: clinical testing. Allele origin: germline. Affected: yes.
Comment: Not observed at significant frequency in large population cohorts (gnomAD); Frameshift variant predicted to result in protein truncation or nonsense mediated decay in a gene or region of a gene for which loss of function is not a well-established mechanism of disease; Has not been previously published as pathogenic or benign to our knowledge; Variants in candidate genes are classified as variants of uncertain significance in accordance with ACMG guidelines (PMID: 25741868)

Labcorp Genetics (formerly Invitae), Labcorp
Classification: Pathogenic. Last evaluated: 2023-07-13. Review status: criteria provided, single submitter. Criteria: Invitae Variant Classification Sherloc (09022015). Collection method: clinical testing. Allele origin: germline.
Comment: This variant is not present in population databases (gnomAD no frequency). For these reasons, this variant has been classified as Pathogenic. This variant has not been reported in the literature in individuals affected with PCLO-related conditions. This sequence change creates a premature translational stop signal (p.Glu699Aspfs*8) in the PCLO gene. It is expected to result in an absent or disrupted protein product. Loss-of-function variants in PCLO are known to be pathogenic (PMID: 25832664, 30287594).

Literature cited by the submitters: PubMed 25832664 (cited by Labcorp Genetics (formerly Invitae), Labcorp); PubMed 30287594 (cited by Labcorp Genetics (formerly Invitae), Labcorp).

NM_033026.6(PCLO):c.2097del (p.Glu699fs)

Gene: PCLO (piccolo presynaptic cytomatrix protein; minus strand). Cytogenetic location: 7q21.11.
Variant type: Deletion.
Coding change: c.2097del on transcript NM_033026.6 (MANE Select); coding-DNA position 2097, one base deleted (G; older notation c.2097delG).
Protein change: p.Glu699fs; shifts the reading frame from glutamic acid 699.
Molecular consequence: frameshift variant.
Genome position (GRCh38, 1-based): chr7:83,135,453, C deleted on the plus strand (G on the coding strand, the reverse complement: PCLO is on the minus strand). VCF-style (leftmost placement, unchanged base first): chr7-83135452-GC-G. GRCh37 (hg19) VCF-style: chr7-82764768-GC-G.
Other names: c.2097del, p.Glu699fs (NM_014510.3); c.2097del (NM_033026.5); short protein forms E699fs.
Identifiers: ClinVar variation 2743070 (VCV002743070.4), dbSNP rs2484839846, ClinGen allele CA2697557370.